The following is an entry in ClinVar:

NM_024577.4(SH3TC2):c.1840G>A (p.Asp614Asn)

Gene: SH3TC2 (SH3 domain and tetratricopeptide repeats 2; minus strand). Cytogenetic location: 5q32.
Variant type: single nucleotide variant.
Coding change: c.1840G>A on transcript NM_024577.4 (MANE Select); coding-DNA position 1840, G replaced by A.
Protein change: p.Asp614Asn; replaces aspartic acid 614 with asparagine.
Molecular consequence: missense variant.
Genome position (GRCh38, 1-based): chr5:149,027,892, C>T on the plus strand (G>A on the coding strand, the complement: SH3TC2 is on the minus strand). VCF-style: chr5-149027892-C-T. GRCh37 (hg19) VCF-style: chr5-148407455-C-T.
Other names: short protein forms D614N.
Identifiers: ClinVar variation 450992 (VCV000450992.14), dbSNP rs201789838, ClinGen allele CA3499109.

ClinVar aggregate classification (germline): Uncertain significance. Review status: criteria provided, multiple submitters, no conflicts (2 of 4 stars). 4 submissions from 4 submitters: Uncertain significance (4). Last evaluated 2026-03-30.

Conditions:
SH3TC2-related disorder. Also called: SH3TC2-related disorders; SH3TC2-related condition. Identifiers: MedGen CN239303.
Charcot-Marie-Tooth disease type 4. Also called: Charcot-Marie-Tooth disease, type IV; Charcot-Marie-Tooth, Type 4. Identifiers: Orphanet 64749, MedGen C4082197, MONDO:0018995.

Allele frequency attached by ClinVar (database versions not stated): gnomAD 0.00001 and 0.00002; gnomAD exomes 0.00003 and 0.00001; TOPMed 0.00003; ESP Exome Variant Server 0.00008; ExAC 0.00002.
gnomAD v4.1: 50 of 1,613,842 alleles (0.0031%); highest among the groups gnomAD compares: Non-Finnish European, 0.0039%; no homozygotes.

Submissions (4):

PreventionGenetics, part of Exact Sciences
Classification: Uncertain significance for SH3TC2-related condition. Last evaluated: 2026-03-30. Review status: criteria provided, single submitter. Criteria: ACMG Guidelines, 2015. Collection method: clinical testing. Allele origin: germline.
Comment: The SH3TC2 c.1840G>A variant is predicted to result in the amino acid substitution p.Asp614Asn. To our knowledge, this variant has not been reported in the literature. This variant is reported in 0.0029% of alleles in individuals of Latino descent in gnomAD. At this time, the clinical significance of this variant is uncertain due to the absence of conclusive functional and genetic evidence.

GeneDx
Classification: Uncertain significance. Last evaluated: 2022-05-09. Review status: criteria provided, single submitter. Criteria: GeneDx Variant Classification Process June 2021. Collection method: clinical testing. Allele origin: germline. Affected: yes.
Comment: Not observed at significant frequency in large population cohorts (gnomAD); In silico analysis supports that this missense variant does not alter protein structure/function; Has not been previously published as pathogenic or benign to our knowledge

Revvity Omics, Revvity
Classification: Uncertain significance. Last evaluated: 2020-05-07. Review status: criteria provided, single submitter. Criteria: ACMG Guidelines, 2015. Collection method: clinical testing. Allele origin: germline.

Labcorp Genetics (formerly Invitae), Labcorp
Classification: Uncertain significance for Charcot-Marie-Tooth disease type 4. Last evaluated: 2020-02-18. Review status: criteria provided, single submitter. Criteria: Invitae Variant Classification Sherloc (09022015). Collection method: clinical testing. Allele origin: germline.
Comment: This sequence change replaces aspartic acid with asparagine at codon 614 of the SH3TC2 protein (p.Asp614Asn). The aspartic acid residue is moderately conserved and there is a small physicochemical difference between aspartic acid and asparagine. This variant is present in population databases (rs201789838, ExAC 0.003%). This variant has not been reported in the literature in individuals with SH3TC2-related disease. ClinVar contains an entry for this variant (Variation ID: 450992). Algorithms developed to predict the effect of missense changes on protein structure and function are either unavailable or do not agree on the potential impact of this missense change (SIFT: "Deleterious"; PolyPhen-2: "Benign"; Align-GVGD: "Class C0"). In summary, the available evidence is currently insufficient to determine the role of this variant in disease. Therefore, it has been classified as a Variant of Uncertain Significance.